The following is an entry in ClinVar:

NM_000088.4(COL1A1):c.3102T>C (p.Gly1034=)

Gene: COL1A1 (collagen type I alpha 1 chain; minus strand). Cytogenetic location: 17q21.33.
Variant type: single nucleotide variant.
Coding change: c.3102T>C on transcript NM_000088.4 (MANE Select); coding-DNA position 3102, T replaced by C.
Protein change: p.Gly1034=; no amino-acid change (glycine 1034 retained).
Molecular consequence: synonymous variant.
Genome position (GRCh38, 1-based): chr17:50,188,635, A>G on the plus strand (T>C on the coding strand, the complement: COL1A1 is on the minus strand). VCF-style: chr17-50188635-A-G. GRCh37 (hg19) VCF-style: chr17-48265996-A-G.
Other names: p.Gly1034=.
Identifiers: ClinVar variation 515509 (VCV000515509.61), dbSNP rs147743501, ClinGen allele CA8644559.

ClinVar aggregate classification (germline): Benign/Likely benign. Review status: criteria provided, multiple submitters, no conflicts (2 of 4 stars). 14 submissions from 13 submitters: Benign (1); Likely benign (10). 3 of the submissions do not count toward it. Last evaluated 2026-05-01.

Conditions:
COL1A1-related disorder. Also called: COL1A1- related disease; COL1A1-related condition.
Cardiovascular phenotype. Identifiers: MedGen CN230736.
Ehlers-Danlos syndrome (EDS). Identifiers: Orphanet 98249, MedGen C0013720, MONDO:0020066.
Osteogenesis imperfecta (OI). Identifiers: Orphanet 666, MedGen C0029434, MeSH D010013, MONDO:0019019.
Osteogenesis imperfecta type I (OI1). Also called: Osteogenesis imperfecta type 1; Lobstein disease; Classic Non-deforming Osteogenesis Imperfecta with Blue Sclerae; Lobstein's Disease; OI, TYPE I; OSTEOGENESIS IMPERFECTA TARDA. Identifiers: Orphanet 216796, Orphanet 666, MedGen C0023931, MONDO:0008146, OMIM 166200. Disease mechanism: loss of function.
Connective tissue disorder. Also called: Connective tissue disease. Identifiers: MedGen C0009782, MONDO:0003900.

Allele frequency attached by ClinVar (database versions not stated): 1000 Genomes Project 30x 0.00016; 1000 Genomes Project 0.00020; ExAC 0.00024; gnomAD exomes 0.00024; gnomAD 0.00043 and 0.00044; TOPMed 0.00051; ESP Exome Variant Server 0.00054.
gnomAD v4.1: 1,105 of 1,613,908 alleles (0.068%); highest among the groups gnomAD compares: Non-Finnish European, 0.088%; no homozygotes.

Submissions (14):

CeGaT Center for Human Genetics Tuebingen
Classification: Likely benign. Last evaluated: 2026-05-01. Review status: criteria provided, single submitter. Criteria: CeGaT Center For Human Genetics Tuebingen Variant Classification Criteria Version 2. Collection method: clinical testing. Allele origin: germline. Affected: yes. Observed: 2 variant alleles.
Comment: COL1A1: BP4, BS2

Women's Health and Genetics/Laboratory Corporation of America, LabCorp
Classification: Benign. Last evaluated: 2026-04-21. Review status: criteria provided, single submitter. Criteria: LabCorp Variant Classification Summary - May 2015. Collection method: clinical testing. Allele origin: germline.
Comment: Variant summary: COL1A1 c.3102T>C (p.Gly1034Gly) alters a conserved nucleotide located close to a canonical splice site and therefore could affect mRNA splicing, leading to a significantly altered protein sequence. Consensus agreement among computation tools predict no significant impact on normal splicing. However, these predictions have yet to be confirmed by functional studies. The variant allele was found at a frequency of 0.00024 in 250574 control chromosomes, predominantly at a frequency of 0.0005 within the Non-Finnish European subpopulation in the gnomAD database. The observed variant frequency within Non-Finnish European control individuals in the gnomAD database exceeds the estimated maximal expected allele frequency for disease-causing variants in COL1A1. To our knowledge, no occurrence of c.3102T>C in individuals affected with COL1A1-related conditions and no experimental evidence demonstrating its impact on protein function have been reported. ClinVar contains an entry for this variant (Variation ID: 515509). Based on the evidence outlined above, the variant was classified as benign.

Labcorp Genetics (formerly Invitae), Labcorp
Classification: Likely benign for Osteogenesis imperfecta type I. Last evaluated: 2026-01-07. Review status: criteria provided, single submitter. Criteria: Invitae Variant Classification Sherloc (09022015). Collection method: clinical testing. Allele origin: germline.

Mayo Clinic Laboratories, Mayo Clinic
Classification: Likely benign. Last evaluated: 2025-07-18. Review status: criteria provided, single submitter. Criteria: ACMG Guidelines, 2015. Collection method: clinical testing. Allele origin: germline. Observed: 4 variant alleles.
Comment: BS1, BP4, BP7

Blueprint Genetics
Classification: Likely benign. Last evaluated: 2024-10-22. Review status: criteria provided, single submitter. Criteria: ACMG Guidelines, 2015. Collection method: clinical testing. Allele origin: germline.

ARUP Laboratories, Molecular Genetics and Genomics, ARUP Laboratories
Classification: Likely benign. Last evaluated: 2023-10-18. Review status: criteria provided, single submitter. Criteria: ARUP Molecular Germline Variant Investigation Process 2024. Collection method: clinical testing. Allele origin: germline.

Genome Diagnostics Laboratory, The Hospital for Sick Children
Classification: Likely benign for Ehlers-Danlos syndrome. Last evaluated: 2022-06-22. Review status: criteria provided, single submitter. Criteria: ACMG Guidelines, 2015. Collection method: clinical testing. Allele origin: germline.

Ambry Genetics
Classification: Likely benign for Cardiovascular phenotype. Last evaluated: 2019-06-07. Review status: criteria provided, single submitter. Criteria: Ambry Variant Classification Scheme 2023. Collection method: clinical testing. Allele origin: germline.

Genome Diagnostics Laboratory, The Hospital for Sick Children
Classification: Likely benign for Osteogenesis imperfecta. Last evaluated: 2019-01-01. Review status: criteria provided, single submitter. Criteria: ACMG Guidelines, 2015. Collection method: clinical testing. Allele origin: germline.

Center for Human Genetics, Inc
Classification: Likely benign for Connective tissue disorder. Last evaluated: 2018-06-01. Review status: criteria provided, single submitter. Criteria: ACMG Guidelines, 2015. Collection method: clinical testing. Allele origin: germline. Affected: yes.

GeneDx
Classification: Likely benign. Last evaluated: 2018-02-12. Review status: criteria provided, single submitter. Criteria: GeneDx Variant Classification (06012015). Collection method: clinical testing. Allele origin: germline. Affected: yes.
Comment: This variant is considered likely benign or benign based on one or more of the following criteria: it is a conservative change, it occurs at a poorly conserved position in the protein, it is predicted to be benign by multiple in silico algorithms, and/or has population frequency not consistent with disease.

PreventionGenetics, part of Exact Sciences
Classification: Likely benign for COL1A1-related condition. Last evaluated: 2022-08-31. Review status: no assertion criteria provided. Collection method: clinical testing. Allele origin: germline. Not counted in ClinVar's aggregate classification.
Comment: This variant is classified as likely benign based on ACMG/AMP sequence variant interpretation guidelines (Richards et al. 2015 PMID: 25741868, with internal and published modifications).

Clinical Genetics DNA and cytogenetics Diagnostics Lab, Erasmus MC, Erasmus Medical Center
Classification: Likely benign. Review status: no assertion criteria provided. Collection method: clinical testing. Allele origin: germline. Affected: yes. Study: VKGL Data-share Consensus. Not counted in ClinVar's aggregate classification.

Laboratory of Diagnostic Genome Analysis, Leiden University Medical Center (LUMC)
Classification: Likely benign. Review status: no assertion criteria provided. Collection method: clinical testing. Allele origin: germline. Affected: yes. Study: VKGL Data-share Consensus. Not counted in ClinVar's aggregate classification.